The following is an entry in ClinVar:

ClinVar aggregate classification (germline): Uncertain significance (1 of 4 stars; one submission).

Conditions:
Neuromuscular disease caused by qualitative or quantitative defects of dysferlin. Also called: Qualitative or quantitative defects of dysferlin; Dysferlinopathy. Identifiers: Orphanet 207073, MedGen C2931687, MONDO:0016145.

Allele frequency attached by ClinVar (database versions not stated): gnomAD exomes below 0.00001.
gnomAD v4.1: 1 of 1,614,040 alleles (0.000062%); highest among the groups gnomAD compares: South Asian, 0.0011%; no homozygotes.

Submission:

Labcorp Genetics (formerly Invitae), Labcorp
Classification: Uncertain significance for Neuromuscular disease caused by qualitative or quantitative defects of dysferlin. Last evaluated: 2021-12-02. Review status: criteria provided, single submitter. Criteria: Invitae Variant Classification Sherloc (09022015). Collection method: clinical testing. Allele origin: germline.
Comment: In summary, the available evidence is currently insufficient to determine the role of this variant in disease. Therefore, it has been classified as a Variant of Uncertain Significance. Advanced modeling of protein sequence and biophysical properties (such as structural, functional, and spatial information, amino acid conservation, physicochemical variation, residue mobility, and thermodynamic stability) performed at Invitae indicates that this missense variant is expected to disrupt DYSF protein function. This variant has not been reported in the literature in individuals affected with DYSF-related conditions. This variant is present in population databases (no rsID available, gnomAD 0.003%). This sequence change replaces cysteine, which is neutral and slightly polar, with tyrosine, which is neutral and polar, at codon 1942 of the DYSF protein (p.Cys1942Tyr).

NM_001130987.2(DYSF):c.5942G>A (p.Cys1981Tyr)

Gene: DYSF (dysferlin; plus strand). Cytogenetic location: 2p13.2.
Variant type: single nucleotide variant.
Coding change: c.5942G>A on transcript NM_001130987.2 (MANE Select); coding-DNA position 5942, G replaced by A.
Protein change: p.Cys1981Tyr; replaces cysteine 1981 with tyrosine.
Molecular consequence: missense variant.
Genome position (GRCh38, 1-based): chr2:71,679,114, G>A. VCF-style: chr2-71679114-G-A. GRCh37 (hg19) VCF-style: chr2-71906244-G-A.
Other names: c.5828G>A, p.Cys1943Tyr (NM_001130455.2); c.5783G>A, p.Cys1928Tyr (NM_001130976.2); c.5846G>A, p.Cys1949Tyr (NM_001130977.2); c.5888G>A, p.Cys1963Tyr (NM_001130978.2); c.5918G>A, p.Cys1973Tyr (NM_001130979.2); c.5876G>A, p.Cys1959Tyr (NM_001130980.2); c.5939G>A, p.Cys1980Tyr (NM_001130981.2); c.5921G>A, p.Cys1974Tyr (NM_001130982.2); and 5 more; short protein forms C1928Y, C1960Y, C1974Y, C1929Y, C1949Y, C1959Y, C1963Y, C1964Y.
Identifiers: ClinVar variation 1396075 (VCV001396075.6), dbSNP rs1235452257, ClinGen allele CA347226329.